The following is an entry in ClinVar:

ClinVar aggregate classification (germline): Uncertain significance (1 of 4 stars; one submission).

gnomAD v4.1: 1 of 1,613,686 alleles (0.000062%); highest among the groups gnomAD compares: Non-Finnish European, 0.000085%; no homozygotes.

Submission:

GeneDx
Classification: Uncertain significance. Last evaluated: 2025-04-30. Review status: criteria provided, single submitter. Criteria: GeneDx Variant Classification Process June 2021. Collection method: clinical testing. Allele origin: germline. Affected: yes.
Comment: Not observed at significant frequency in large population cohorts (gnomAD); In silico analysis supports that this missense variant has a deleterious effect on protein structure/function; Has not been previously published as pathogenic or benign to our knowledge

NM_032217.5(ANKRD17):c.3593T>C (p.Ile1198Thr)

Gene: ANKRD17 (ankyrin repeat domain 17; minus strand). Cytogenetic location: 4q13.3.
Variant type: single nucleotide variant.
Coding change: c.3593T>C on transcript NM_032217.5 (MANE Select); coding-DNA position 3593, T replaced by C.
Protein change: p.Ile1198Thr; replaces isoleucine 1198 with threonine.
Molecular consequence: missense variant.
Genome position (GRCh38, 1-based): chr4:73,121,659, A>G on the plus strand (T>C on the coding strand, the complement: ANKRD17 is on the minus strand). VCF-style: chr4-73121659-A-G. GRCh37 (hg19) VCF-style: chr4-73987376-A-G.
Other names: c.3254T>C, p.Ile1085Thr (NM_001286771.3); c.3590T>C, p.Ile1197Thr (NM_015574.2); c.2840T>C, p.Ile947Thr (NM_198889.3); short protein forms I1085T, I1197T, I1198T, I947T.
Identifiers: ClinVar variation 4527846 (VCV004527846.1).